The following is an entry in ClinVar:

ClinVar aggregate classification (germline): Uncertain significance (1 of 4 stars; one submission).

Conditions:
Tuberous sclerosis 2 (TSC2). Identifiers: Orphanet 805, MedGen C1860707, MONDO:0013199, OMIM 613254.

Submission:

Labcorp Genetics (formerly Invitae), Labcorp
Classification: Uncertain significance for Tuberous sclerosis 2. Last evaluated: 2025-02-04. Review status: criteria provided, single submitter. Criteria: Invitae Variant Classification Sherloc (09022015). Collection method: clinical testing. Allele origin: germline.
Comment: This variant, c.4536_4538del, results in the deletion of 1 amino acid(s) of the TSC2 protein (p.Asp1512del), but otherwise preserves the integrity of the reading frame. This variant is not present in population databases (gnomAD no frequency). This variant has not been reported in the literature in individuals affected with TSC2-related conditions. Experimental studies and prediction algorithms are not available or were not evaluated, and the functional significance of this variant is currently unknown. In summary, the available evidence is currently insufficient to determine the role of this variant in disease. Therefore, it has been classified as a Variant of Uncertain Significance.

NM_000548.5(TSC2):c.4533CGA[1] (p.Asp1512del)

Gene: TSC2 (TSC complex subunit 2; plus strand). Cytogenetic location: 16p13.3.
Variant type: Microsatellite.
Coding change: c.4533CGA[1] on transcript NM_000548.5 (MANE Select); one copy of the 3-base unit CGA starting at c.4533; the reference has two copies in a row; one copy, 3 bases deleted.
Protein change: p.Asp1512del; deletes aspartic acid 1512.
Molecular consequence: inframe deletion. On other transcripts: non-coding transcript variant (5).
Genome position (GRCh38, 1-based): chr16:2,084,993-2,084,995, CGA deleted; deleting any 3 consecutive bases within chr16:2,084,990-2,084,995 gives the same sequence; the position shown is the placement nearest the transcript's 3' end. VCF-style (leftmost placement, unchanged base first): chr16-2084989-GCGA-G. GRCh37 (hg19) VCF-style: chr16-2134990-GCGA-G.
Other names: c.4332CGA[1], p.Asp1445del (NM_001077183.3); c.4464CGA[1], p.Asp1489del (NM_001114382.3); c.4224CGA[1], p.Asp1409del (NM_001318827.2); c.4188CGA[1], p.Asp1397del (NM_001318829.2); c.3801CGA[1], p.Asp1268del (NM_001318831.2); c.3120CGA[1], p.Asp1041del (NM_001406689.1); c.3060CGA[1], p.Asp1021del (NM_001406690.1); c.3057CGA[1], p.Asp1020del (NM_001406691.1); and 26 more; short protein forms D1041del, D1288del, D1408del, D1426del, D1440del, D1442del, D1446del, D1468del.
Identifiers: ClinVar variation 4708202 (VCV004708202.1).